The following is an entry in ClinVar:

ClinVar aggregate classification (germline): Uncertain significance (1 of 4 stars; one submission).

Conditions:
Emery-Dreifuss muscular dystrophy 5, autosomal dominant (EDMD5). Also called: EMERY-DREIFUSS MUSCULAR DYSTROPHY 5. Identifiers: Orphanet 261, MedGen C2751805, MONDO:0013072, OMIM 612999.

Submission:

Labcorp Genetics (formerly Invitae), Labcorp
Classification: Uncertain significance for Emery-Dreifuss muscular dystrophy 5, autosomal dominant. Last evaluated: 2024-09-09. Review status: criteria provided, single submitter. Criteria: Invitae Variant Classification Sherloc (09022015). Collection method: clinical testing. Allele origin: germline.
Comment: This sequence change creates a premature translational stop signal (p.Glu6263Aspfs*15) in the SYNE2 gene. It is expected to result in an absent or disrupted protein product. However, the current clinical and genetic evidence is not sufficient to establish whether loss-of-function variants in SYNE2 cause disease. This variant is not present in population databases (gnomAD no frequency). This variant has not been reported in the literature in individuals affected with SYNE2-related conditions. In summary, the available evidence is currently insufficient to determine the role of this variant in disease. Therefore, it has been classified as a Variant of Uncertain Significance.

NM_182914.3(SYNE2):c.18789_18790del (p.Glu6263fs)

Gene: SYNE2 (spectrin repeat containing nuclear envelope protein 2; plus strand). Cytogenetic location: 14q23.2.
Variant type: Microsatellite.
Coding change: c.18789_18790del on transcript NM_182914.3 (MANE Select); coding-DNA positions 18789 to 18790, 2 bases deleted (GA; older notation c.18789_18790delGA).
Protein change: p.Glu6263fs; shifts the reading frame from glutamic acid 6263.
Molecular consequence: frameshift variant.
Genome position (GRCh38, 1-based): chr14:64,212,026-64,212,027, GA deleted; deleting any 2 consecutive bases within chr14:64,212,023-64,212,027 gives the same sequence; the c. name uses the placement nearest the transcript's 3' end. VCF-style (leftmost placement, unchanged base first): chr14-64212022-CAG-C. GRCh37 (hg19) VCF-style: chr14-64678740-CAG-C.
Other names: c.18789_18790del, p.Glu6263fs (NM_015180.6); short protein forms E6263fs.
Identifiers: ClinVar variation 2104201 (VCV002104201.4), dbSNP rs2550136591, ClinGen allele CA2580613696.
Genomic context (GRCh38, chr14:64,212,022, plus strand): 5'-ATTTCACCAACCAGAGGGAAGAATTTGAGGGCACCAGGGAGAGCATTCTGGTGTGGCTCA[CAG>C]AGATGGACCTGCAGCTGACCAACGTGGAGCACTTCTCAGAGAGTGACGCCGATGACAAGA-3'